The following is an entry in ClinVar:

ClinVar aggregate classification (germline): Uncertain significance (1 of 4 stars; one submission).

gnomAD v4.1: 1 of 1,611,588 alleles (0.000062%); highest among the groups gnomAD compares: Non-Finnish European, 0.000085%; no homozygotes.

Submission:

Labcorp Genetics (formerly Invitae), Labcorp
Classification: Uncertain significance. Last evaluated: 2023-08-04. Review status: criteria provided, single submitter. Criteria: Invitae Variant Classification Sherloc (09022015). Collection method: clinical testing. Allele origin: germline.
Comment: This variant has not been reported in the literature in individuals affected with CDH23-related conditions. This variant is not present in population databases (gnomAD no frequency). This sequence change replaces glycine, which is neutral and non-polar, with arginine, which is basic and polar, at codon 3287 of the CDH23 protein (p.Gly3287Arg). ClinVar contains an entry for this variant (Variation ID: 2178359). In summary, the available evidence is currently insufficient to determine the role of this variant in disease. Therefore, it has been classified as a Variant of Uncertain Significance. Advanced modeling of protein sequence and biophysical properties (such as structural, functional, and spatial information, amino acid conservation, physicochemical variation, residue mobility, and thermodynamic stability) performed at Invitae indicates that this missense variant is not expected to disrupt CDH23 protein function.

NM_022124.6(CDH23):c.9859G>C (p.Gly3287Arg)

Gene: CDH23 (cadherin related 23; plus strand). Cytogenetic location: 10q22.1.
Variant type: single nucleotide variant.
Coding change: c.9859G>C on transcript NM_022124.6 (MANE Select); coding-DNA position 9859, G replaced by C.
Protein change: p.Gly3287Arg; replaces glycine 3287 with arginine.
Molecular consequence: missense variant.
Genome position (GRCh38, 1-based): chr10:71,815,072, G>C. VCF-style: chr10-71815072-G-C. GRCh37 (hg19) VCF-style: chr10-73574829-G-C.
Other names: c.3139G>C, p.Gly1047Arg (NM_001171933.1); c.3034G>C, p.Gly1012Arg (NM_001171934.1); c.550G>C, p.Gly184Arg (NM_001171935.1); c.445G>C, p.Gly149Arg (NM_001171936.1); short protein forms G1012R, G149R, G3287R, G184R, G1047R.
Identifiers: ClinVar variation 2178359 (VCV002178359.4), dbSNP rs374102885, ClinGen allele CA377138278.